The following is an entry in ClinVar:

NM_030665.4(RAI1):c.4899_4904del (p.Ser1638_Ser1639del)

Gene: RAI1 (retinoic acid induced 1; plus strand). Cytogenetic location: 17p11.2.
Variant type: Deletion.
Coding change: c.4899_4904del on transcript NM_030665.4 (MANE Select); coding-DNA positions 4899 to 4904, 6 bases deleted (TTCCTC; older notation c.4899_4904delTTCCTC).
Protein change: p.Ser1638_Ser1639del.
Molecular consequence: inframe deletion.
Genome position (GRCh38, 1-based): chr17:17,797,847-17,797,852, TTCCTC deleted; deleting any 6 consecutive bases within chr17:17,797,842-17,797,852 gives the same sequence; the c. name uses the placement nearest the transcript's 3' end. VCF-style (leftmost placement, unchanged base first): chr17-17797841-CTCCTCT-C. GRCh37 (hg19) VCF-style: chr17-17701155-CTCCTCT-C.
Identifiers: ClinVar variation 2115568 (VCV002115568.4), dbSNP rs2032320859, ClinGen allele CA2250695867.

ClinVar aggregate classification (germline): Uncertain significance (1 of 4 stars; one submission).

Submission:

Labcorp Genetics (formerly Invitae), Labcorp
Classification: Uncertain significance. Last evaluated: 2025-10-07. Review status: criteria provided, single submitter. Criteria: Invitae Variant Classification Sherloc (09022015). Collection method: clinical testing. Allele origin: germline.
Comment: This variant, c.4899_4904del, results in the deletion of 2 amino acid(s) of the RAI1 protein (p.Ser1638_Ser1639del), but otherwise preserves the integrity of the reading frame. This variant is not present in population databases (gnomAD no frequency). This variant has not been reported in the literature in individuals affected with RAI1-related conditions. ClinVar contains an entry for this variant (Variation ID: 2115568). Experimental studies and prediction algorithms are not available or were not evaluated, and the functional significance of this variant is currently unknown. In summary, the available evidence is currently insufficient to determine the role of this variant in disease. Therefore, it has been classified as a Variant of Uncertain Significance.